The following is an entry in ClinVar:

NM_014244.5(ADAMTS2):c.73_74insTC (p.Pro25fs)

Gene: ADAMTS2 (ADAM metallopeptidase with thrombospondin type 1 motif 2; minus strand). Cytogenetic location: 5q35.3.
Variant type: Insertion.
Coding change: c.73_74insTC on transcript NM_014244.5 (MANE Select); coding-DNA positions 73 to 74, TC inserted.
Protein change: p.Pro25fs; shifts the reading frame from proline 25.
Molecular consequence: frameshift variant.
Genome position: GRCh38 VCF-style: chr5-179345255-G-GGA. GRCh37 (hg19) VCF-style: chr5-178772256-G-GGA.
Other names: c.73_74insTC, p.Pro25fs (NM_021599.4); short protein forms P25fs.
Identifiers: ClinVar variation 5016394 (VCV005016394.1).

ClinVar aggregate classification (germline): Pathogenic (1 of 4 stars; one submission).

Conditions:
Ehlers-Danlos syndrome, dermatosparaxis type. Also called: EDS VIIC; Dermatosparaxis; Ehlers-Danlos syndrome, type VII, autosomal recessive. Identifiers: Orphanet 1901, MedGen C2700425, MONDO:0009161, OMIM 225410.

Submission:

Myriad Genetics, Inc.
Classification: Pathogenic for Ehlers-Danlos syndrome, dermatosparaxis type. Last evaluated: 2024-05-14. Review status: criteria provided, single submitter. Criteria: Myriad Autosomal Dominant, Autosomal Recessive and X-Linked Classification Criteria (2023). Collection method: clinical testing. Allele origin: unknown.
Comment: NM_014244.4(ADAMTS2):c.73_74insTC(P25Lfs*141) is expected to be pathogenic in the context of Ehlers-Danlos syndrome, ADAMTS2-related. This variant is predicted to lead to an abnormal or absent protein product due to the creation of a premature termination codon in ADAMTS2, a gene where loss-of-function variants are known to be pathogenic. Please note: this variant was assessed in the context of healthy population screening.